The following is an entry in ClinVar:

NM_007118.4(TRIO):c.157+3G>A

Genes: TRIO (trio Rho guanine nucleotide exchange factor; plus strand), LOC129993690 (ATAC-STARR-seq lymphoblastoid silent region 15936; plus strand). Cytogenetic location: 5p15.2.
Variant type: single nucleotide variant.
Coding change: c.157+3G>A on transcript NM_007118.4 (MANE Select); 3 bases into the intron after coding-DNA position 157, G replaced by A.
Molecular consequence: intron variant.
Genome position (GRCh38, 1-based): chr5:14,143,885, G>A. VCF-style: chr5-14143885-G-A. GRCh37 (hg19) VCF-style: chr5-14143994-G-A.
Identifiers: ClinVar variation 1809640 (VCV001809640.27), dbSNP rs1390713130, ClinGen allele CA804783374.

ClinVar aggregate classification (germline): Uncertain significance. Review status: criteria provided, multiple submitters, no conflicts (2 of 4 stars). 3 submissions from 3 submitters: Uncertain significance (3). Last evaluated 2025-12-12.

Allele frequency attached by ClinVar (database versions not stated): TOPMed below 0.00001; gnomAD 0.00001.
gnomAD v4.1: 5 of 1,077,430 alleles (0.00046%); highest among the groups gnomAD compares: Middle Eastern, 0.037%; no homozygotes.

Submissions (3):

Women's Health and Genetics/Laboratory Corporation of America, LabCorp
Classification: Uncertain significance. Last evaluated: 2025-12-12. Review status: criteria provided, single submitter. Criteria: LabCorp Variant Classification Summary - May 2015. Collection method: clinical testing. Allele origin: germline.
Comment: Variant summary: TRIO c.157+3G>A alters a conserved nucleotide located close to a canonical splice site and therefore could affect mRNA splicing, leading to a significantly altered protein sequence. Consensus agreement among computation tools predict no significant impact on normal splicing. However, these predictions have yet to be confirmed by functional studies. The variant was absent in 27690 control chromosomes. The available data on variant occurrences in the general population are insufficient to allow any conclusion about variant significance. c.157+3G>A has been observed in at least one individual with an autistic disorder, without strong evidence of causality (example: El Naofal_2023). This report does not provide unequivocal conclusions about association of the variant with TRIO-Related Intellectual Disability. To our knowledge, no experimental evidence demonstrating an impact on protein function has been reported. The following publication has been ascertained in the context of this evaluation (PMID: 36703223). ClinVar contains an entry for this variant (Variation ID: 1809640). Based on the evidence outlined above, the variant was classified as uncertain significance.

CeGaT Center for Human Genetics Tuebingen
Classification: Uncertain significance. Last evaluated: 2023-11-01. Review status: criteria provided, single submitter. Criteria: CeGaT Center For Human Genetics Tuebingen Variant Classification Criteria Version 2. Collection method: clinical testing. Allele origin: germline. Affected: yes. Observed: 1 variant allele.
Comment: TRIO: PM2, BP4

Dubai Health Genomic Medicine Center, Dubai Health
Classification: Uncertain significance. Last evaluated: 2022-12-17. Review status: criteria provided, single submitter. Criteria: ACMG Guidelines, 2015. Collection method: clinical testing. Allele origin: germline. Affected: yes.

Literature cited by the submitters: PubMed 36703223 (cited by Women's Health and Genetics/Laboratory Corporation of America, LabCorp).